The following is an entry in ClinVar:

ClinVar aggregate classification (germline): Uncertain significance (1 of 4 stars; one submission).

Conditions:
Ectodermal dysplasia 10A, hypohidrotic/hair/nail type, autosomal dominant (ECTD10A). Also called: Ectodermal Dysplasia 3, Anhidrotic. Identifiers: Orphanet 1810, Orphanet 238468, MedGen C3888065, MONDO:0007509, OMIM 129490.
Autosomal recessive hypohidrotic ectodermal dysplasia syndrome. Also called: Autosomal recessive hypohidrotic ectodermal dysplasia. Identifiers: Orphanet 248, MedGen C0406702, MONDO:0016619.

gnomAD v4.1: 13 of 1,613,686 alleles (0.00081%); highest among the groups gnomAD compares: Non-Finnish European, 0.001%; no homozygotes.

Submission:

Labcorp Genetics (formerly Invitae), Labcorp
Classification: Uncertain significance for Ectodermal dysplasia 10A, hypohidrotic/hair/nail type, autosomal dominant; Autosomal recessive hypohidrotic ectodermal dysplasia syndrome. Last evaluated: 2025-12-16. Review status: criteria provided, single submitter. Criteria: Invitae Variant Classification Sherloc (09022015). Collection method: clinical testing. Allele origin: germline.
Comment: This sequence change falls in intron 2 of the EDAR gene. It does not directly change the encoded amino acid sequence of the EDAR protein. It affects a nucleotide within the consensus splice site. This variant is present in population databases (rs763663557, gnomAD 0.003%). This variant has not been reported in the literature in individuals affected with EDAR-related conditions. Variants that disrupt the consensus splice site are a relatively common cause of aberrant splicing (PMID: 17576681, 9536098). Algorithms developed to predict the effect of sequence changes on RNA splicing suggest that this variant may disrupt the consensus splice site. In summary, the available evidence is currently insufficient to determine the role of this variant in disease. Therefore, it has been classified as a Variant of Uncertain Significance.

Literature cited by the submitters: PubMed 17576681; PubMed 9536098.

NM_022336.4(EDAR):c.51+3A>G

Genes: EDAR (ectodysplasin A receptor; minus strand), RANBP2 (RAN binding protein 2; plus strand). Cytogenetic location: 2q13.
Variant type: single nucleotide variant.
Coding change: c.51+3A>G on transcript NM_022336.4 (MANE Select); 3 bases into the intron after coding-DNA position 51, A replaced by G.
Molecular consequence: intron variant.
Genome position (GRCh38, 1-based): chr2:108,930,961, T>C on the plus strand (A>G on the coding strand, the complement: EDAR is on the minus strand). VCF-style: chr2-108930961-T-C. GRCh37 (hg19) VCF-style: chr2-109547417-T-C.
Identifiers: ClinVar variation 4782528 (VCV004782528.1).